The following is an entry in ClinVar:

NM_004563.4(PCK2):c.250C>T (p.Arg84Ter)

Genes: PCK2 (phosphoenolpyruvate carboxykinase 2, mitochondrial; plus strand), NRL (neural retina leucine zipper; minus strand). Cytogenetic location: 14q11.2.
Variant type: single nucleotide variant.
Coding change: c.250C>T on transcript NM_004563.4 (MANE Select); coding-DNA position 250, C replaced by T.
Protein change: p.Arg84Ter; replaces arginine 84 with a stop codon.
Molecular consequence: nonsense. On other transcripts: 5 prime UTR variant (1), intron variant (4).
Genome position (GRCh38, 1-based): chr14:24,097,112, C>T. VCF-style: chr14-24097112-C-T. GRCh37 (hg19) VCF-style: chr14-24566321-C-T.
Other names: c.250C>T, p.Arg84Ter (NM_001018073.3); c.-153C>T (NM_001308054.2); c.-27-14237G>A (NM_001354768.3, NM_001354770.2); c.-253-12367G>A (NM_006177.5); c.-127-1091C>T (NM_001291556.2); short protein forms R84*.
Identifiers: ClinVar variation 2718337 (VCV002718337.3), dbSNP rs202159394, ClinGen allele CA7123045.

ClinVar aggregate classification (germline): Uncertain significance (1 of 4 stars; one submission).

Allele frequency attached by ClinVar (database versions not stated): gnomAD 0.00002; gnomAD exomes 0.00002; TOPMed 0.00003; ExAC 0.00005; 1000 Genomes Project 0.00020; 1000 Genomes Project 30x 0.00031.
gnomAD v4.1: 28 of 1,613,812 alleles (0.0017%); highest among the groups gnomAD compares: Admixed American, 0.013%; no homozygotes.

Submission:

Labcorp Genetics (formerly Invitae), Labcorp
Classification: Uncertain significance. Last evaluated: 2025-05-02. Review status: criteria provided, single submitter. Criteria: Invitae Variant Classification Sherloc (09022015). Collection method: clinical testing. Allele origin: germline.
Comment: This sequence change creates a premature translational stop signal (p.Arg84*) in the PCK2 gene. It is expected to result in an absent or disrupted protein product. However, the current clinical and genetic evidence is not sufficient to establish whether loss-of-function variants in PCK2 cause disease. This variant is present in population databases (rs202159394, gnomAD 0.01%). This variant has not been reported in the literature in individuals affected with PCK2-related conditions. ClinVar contains an entry for this variant (Variation ID: 2718337). In summary, the available evidence is currently insufficient to determine the role of this variant in disease. Therefore, it has been classified as a Variant of Uncertain Significance.